The following is an entry in ClinVar:

ClinVar aggregate classification (germline): Pathogenic (1 of 4 stars; one submission).

Submission:

ISCA Site 6
Classification: Pathogenic. Last evaluated: 2011-08-12. Review status: criteria provided, single submitter. Criteria: Kaminsky et al. (Genet Med. 2011). Collection method: clinical testing. Allele origin: unknown. Affected: yes. Observed: 1 variant allele.
Comment: Copy number variation identified through the course of routine clinical cytogenomic testing in postnatal populations. Clinical assertions have been curated as described in Kaminsky et al. 2011.

GRCh38/hg38 17p12-11.2(chr17:15259164-20925299)x3

Genes: ADORA2B (adenosine A2b receptor; plus strand), AKAP10 (A-kinase anchoring protein 10; minus strand), ALDH3A1 (aldehyde dehydrogenase 3 family member A1; minus strand), ALDH3A2 (aldehyde dehydrogenase 3 family member A2; plus strand), ALKBH5 (alkB homolog 5, RNA demethylase; plus strand) and 335 more. Cytogenetic location: 17p12-11.2.
Variant type: copy number gain.
Change: copy number 3 (three copies instead of two) of chr17:15,259,164-20,925,299 (5.67 Mb, GRCh38 coordinates, 1-based), cytogenetic band 17p12-11.2.
Identifiers: ClinVar variation 58107 (VCV000058107.2).